The following is an entry in ClinVar:

NM_001737.5(C9):c.452A>G (p.Glu151Gly)

Gene: C9 (complement C9; minus strand). Cytogenetic location: 5p13.1.
Variant type: single nucleotide variant.
Coding change: c.452A>G on transcript NM_001737.5 (MANE Select); coding-DNA position 452, A replaced by G.
Protein change: p.Glu151Gly; replaces glutamic acid 151 with glycine.
Molecular consequence: missense variant.
Genome position (GRCh38, 1-based): chr5:39,341,170, T>C on the plus strand (A>G on the coding strand, the complement: C9 is on the minus strand). VCF-style: chr5-39341170-T-C. GRCh37 (hg19) VCF-style: chr5-39341272-T-C.
Other names: short protein forms E151G.
Identifiers: ClinVar variation 2957543 (VCV002957543.3), dbSNP rs372566267, ClinGen allele CA3247012.

ClinVar aggregate classification (germline): Uncertain significance. Review status: criteria provided, multiple submitters, no conflicts (2 of 4 stars). 2 submissions from 2 submitters: Uncertain significance (2). Last evaluated 2025-08-29.

Conditions:
Inborn genetic diseases. Identifiers: MedGen C0950123, MeSH D030342.

Allele frequency attached by ClinVar (database versions not stated): gnomAD exomes below 0.00001; ExAC 0.00001; TOPMed 0.00002; gnomAD 0.00003; ESP Exome Variant Server 0.00008.
gnomAD v4.1: 6 of 1,614,056 alleles (0.00037%); highest among the groups gnomAD compares: African/African-American, 0.008%; no homozygotes.

Submissions (2):

Ambry Genetics
Classification: Uncertain significance for Inborn genetic diseases. Last evaluated: 2025-08-29. Review status: criteria provided, single submitter. Criteria: Ambry Variant Classification Scheme 2023. Collection method: clinical testing. Allele origin: germline.

Labcorp Genetics (formerly Invitae), Labcorp
Classification: Uncertain significance. Last evaluated: 2023-12-13. Review status: criteria provided, single submitter. Criteria: Invitae Variant Classification Sherloc (09022015). Collection method: clinical testing. Allele origin: germline.
Comment: This sequence change replaces glutamic acid, which is acidic and polar, with glycine, which is neutral and non-polar, at codon 151 of the C9 protein (p.Glu151Gly). This variant is present in population databases (rs372566267, gnomAD 0.008%). This variant has not been reported in the literature in individuals affected with C9-related conditions. Advanced modeling of protein sequence and biophysical properties (such as structural, functional, and spatial information, amino acid conservation, physicochemical variation, residue mobility, and thermodynamic stability) performed at Invitae indicates that this missense variant is expected to disrupt C9 protein function with a positive predictive value of 80%. In summary, the available evidence is currently insufficient to determine the role of this variant in disease. Therefore, it has been classified as a Variant of Uncertain Significance.